The following is an entry in ClinVar:

ClinVar aggregate classification (germline): Likely benign. Review status: criteria provided, multiple submitters, no conflicts (2 of 4 stars). 2 submissions from 2 submitters: Likely benign (2). Last evaluated 2025-04-23.

gnomAD v4.1: 22 of 1,613,378 alleles (0.0014%); highest among the groups gnomAD compares: Middle Eastern, 0.033%; no homozygotes.

Submissions (2):

Labcorp Genetics (formerly Invitae), Labcorp
Classification: Likely benign. Last evaluated: 2025-04-23. Review status: criteria provided, single submitter. Criteria: Invitae Variant Classification Sherloc (09022015). Collection method: clinical testing. Allele origin: germline.

CeGaT Center for Human Genetics Tuebingen
Classification: Likely benign. Last evaluated: 2024-11-01. Review status: criteria provided, single submitter. Criteria: CeGaT Center For Human Genetics Tuebingen Variant Classification Criteria Version 2. Collection method: clinical testing. Allele origin: germline. Affected: yes. Observed: 1 variant allele.
Comment: PCGF2: BP4, BP7

NM_007144.3(PCGF2):c.195G>A (p.Pro65=)

Gene: PCGF2 (polycomb group ring finger 2; minus strand). Cytogenetic location: 17q12.
Variant type: single nucleotide variant.
Coding change: c.195G>A on transcript NM_007144.3 (MANE Select); coding-DNA position 195, G replaced by A.
Protein change: p.Pro65=; no amino-acid change (proline 65 retained).
Molecular consequence: synonymous variant.
Genome position (GRCh38, 1-based): chr17:38,739,600, C>T on the plus strand (G>A on the coding strand, the complement: PCGF2 is on the minus strand). VCF-style: chr17-38739600-C-T. GRCh37 (hg19) VCF-style: chr17-36895853-C-T.
Other names: c.195G>A, p.Pro65= (NM_001369614.1, NM_001369615.1).
Identifiers: ClinVar variation 3389257 (VCV003389257.15).